The following is an entry in ClinVar:

NC_000005.10:g.112707468T>C

Gene: APC (APC regulator of Wnt signaling pathway; plus strand). Cytogenetic location: 5q22.2.
Variant type: single nucleotide variant.
Genome position: GRCh38 VCF-style: chr5-112707468-T-C. GRCh37 (hg19) VCF-style: chr5-112043165-T-C.
Identifiers: ClinVar variation 537582 (VCV000537582.48), dbSNP rs538243333, ClinGen allele CA124924709.
Genomic context (GRCh38, chr5:112,707,468, plus strand): 5'-CGGCAAGCGGAGCGCAGCACCCATTGCGCCTGCGCATAACAGGCTCTAGTCTCCGGGCTG[T>C]GGGAAGCCAGCAACACCTCTCACGCATGCGCATTGTAGTCTTCCCACCTCCCACAAGATG-3'

ClinVar aggregate classification (germline): Uncertain significance (1 of 4 stars; one submission).

Conditions:
Familial adenomatous polyposis 1 (FAP1). Also called: FAMILIAL ADENOMATOUS POLYPOSIS 1, ATTENUATED; POLYPOSIS, ADENOMATOUS INTESTINAL. Identifiers: MedGen C2713442, MONDO:0021056, OMIM 175100. Disease mechanism: loss of function.

Allele frequency attached by ClinVar (database versions not stated): gnomAD 0.00001; 1000 Genomes Project 30x 0.00016; 1000 Genomes Project 0.00020.

Submission:

Labcorp Genetics (formerly Invitae), Labcorp
Classification: Uncertain significance for Familial adenomatous polyposis 1. Last evaluated: 2025-08-30. Review status: criteria provided, single submitter. Criteria: Invitae Variant Classification Sherloc (09022015). Collection method: clinical testing. Allele origin: germline.
Comment: This variant occurs in a non-coding region of the APC gene. It does not change the encoded amino acid sequence of the APC protein. This variant is not present in population databases (gnomAD no frequency). This variant has not been reported in the literature in individuals affected with APC-related conditions. ClinVar contains an entry for this variant (Variation ID: 537582). Experimental studies and prediction algorithms are not available or were not evaluated, and the functional significance of this variant is currently unknown. In summary, the available evidence is currently insufficient to determine the role of this variant in disease. Therefore, it has been classified as a Variant of Uncertain Significance.